The following is an entry in ClinVar:

NM_001130438.3(SPTAN1):c.2023C>T (p.Arg675Cys)

Gene: SPTAN1 (spectrin alpha, non-erythrocytic 1; plus strand). Cytogenetic location: 9q34.11.
Variant type: single nucleotide variant.
Coding change: c.2023C>T on transcript NM_001130438.3 (MANE Select); coding-DNA position 2023, C replaced by T.
Protein change: p.Arg675Cys; replaces arginine 675 with cysteine.
Molecular consequence: missense variant.
Genome position (GRCh38, 1-based): chr9:128,583,799, C>T. VCF-style: chr9-128583799-C-T. GRCh37 (hg19) VCF-style: chr9-131346078-C-T.
Other names: c.2023C>T, p.Arg675Cys (NM_001195532.2, NM_001363759.2, NM_001363765.2 and 10 more transcripts); c.2059C>T, p.Arg687Cys (NM_001375312.2, NM_001375318.1, NM_001438440.1); short protein forms R687C, R675C.
Identifiers: ClinVar variation 4770296 (VCV004770296.1).

ClinVar aggregate classification (germline): Uncertain significance (1 of 4 stars; one submission).

Conditions:
Early-infantile DEE. Also called: Early infantile epileptic encephalopathy; Ohtahara syndrome; Early infantile epileptic encephalopathy with suppression bursts. Identifiers: Orphanet 1934, MedGen C0393706, MONDO:0800491.

gnomAD v4.1: 6 of 1,614,166 alleles (0.00037%); highest among the groups gnomAD compares: South Asian, 0.0022%; no homozygotes.

Submission:

Labcorp Genetics (formerly Invitae), Labcorp
Classification: Uncertain significance for Early-infantile DEE. Last evaluated: 2025-07-09. Review status: criteria provided, single submitter. Criteria: Invitae Variant Classification Sherloc (09022015). Collection method: clinical testing. Allele origin: germline.
Comment: This sequence change replaces arginine, which is basic and polar, with cysteine, which is neutral and slightly polar, at codon 675 of the SPTAN1 protein (p.Arg675Cys). This variant is present in population databases (no rsID available, gnomAD 0.0009%). This variant has not been reported in the literature in individuals affected with SPTAN1-related conditions. Invitae Evidence Modeling of protein sequence and biophysical properties (such as structural, functional, and spatial information, amino acid conservation, physicochemical variation, residue mobility, and thermodynamic stability) has been performed for this missense variant. However, the output from this modeling did not meet the statistical confidence thresholds required to predict the impact of this variant on SPTAN1 protein function. In summary, the available evidence is currently insufficient to determine the role of this variant in disease. Therefore, it has been classified as a Variant of Uncertain Significance.